The following is an entry in ClinVar:

ClinVar aggregate classification (germline): Uncertain significance (1 of 4 stars; one submission).

gnomAD v4.1: 10 of 1,614,080 alleles (0.00062%); highest among the groups gnomAD compares: African/African-American, 0.0013%; no homozygotes.

Submission:

Labcorp Genetics (formerly Invitae), Labcorp
Classification: Uncertain significance. Last evaluated: 2026-01-21. Review status: criteria provided, single submitter. Criteria: Invitae Variant Classification Sherloc (09022015). Collection method: clinical testing. Allele origin: germline.
Comment: This sequence change replaces asparagine, which is neutral and polar, with serine, which is neutral and polar, at codon 223 of the B4GALT1 protein (p.Asn223Ser). This variant is present in population databases (no rsID available, gnomAD 0.01%). This variant has not been reported in the literature in individuals affected with B4GALT1-related conditions. Invitae Evidence Modeling of protein sequence and biophysical properties (such as structural, functional, and spatial information, amino acid conservation, physicochemical variation, residue mobility, and thermodynamic stability) indicates that this missense variant is expected to disrupt B4GALT1 protein function with a positive predictive value of 80%. In summary, the available evidence is currently insufficient to determine the role of this variant in disease. Therefore, it has been classified as a Variant of Uncertain Significance.

NM_001497.4(B4GALT1):c.668A>G (p.Asn223Ser)

Gene: B4GALT1 (beta-1,4-galactosyltransferase 1; minus strand). Cytogenetic location: 9p21.1.
Variant type: single nucleotide variant.
Coding change: c.668A>G on transcript NM_001497.4 (MANE Select); coding-DNA position 668, A replaced by G.
Protein change: p.Asn223Ser; replaces asparagine 223 with serine.
Molecular consequence: missense variant. On other transcripts: intron variant (1).
Genome position (GRCh38, 1-based): chr9:33,120,587, T>C on the plus strand (A>G on the coding strand, the complement: B4GALT1 is on the minus strand). VCF-style: chr9-33120587-T-C. GRCh37 (hg19) VCF-style: chr9-33120585-T-C.
Other names: c.629A>G, p.Asn210Ser (NM_001378495.1); c.668A>G, p.Asn223Ser (NM_001378496.1); c.648+14602A>G (NM_001378497.1); short protein forms N210S, N223S.
Identifiers: ClinVar variation 4737764 (VCV004737764.1).